The following is an entry in ClinVar:

ClinVar aggregate classification (germline): Uncertain significance (1 of 4 stars; one submission).

Conditions:
VPS13B-related disorder. Also called: VPS13B-related condition.

Submission:

PreventionGenetics, part of Exact Sciences
Classification: Uncertain significance for VPS13B-related condition. Last evaluated: 2025-04-25. Review status: criteria provided, single submitter. Criteria: ACMG Guidelines, 2015. Collection method: clinical testing. Allele origin: germline.
Comment: The VPS13B c.9861C>A variant is predicted to result in the amino acid substitution p.Ser3287Arg. To our knowledge, this variant has not been reported in the literature or in a large population database (gnomAD), indicating this variant is rare. At this time, the clinical significance of this variant is uncertain due to the absence of conclusive functional and genetic evidence.

NM_152564.5(VPS13B):c.9861C>A (p.Ser3287Arg)

Gene: VPS13B (vacuolar protein sorting 13 homolog B; plus strand). Cytogenetic location: 8q22.2.
Variant type: single nucleotide variant.
Coding change: c.9861C>A on transcript NM_152564.5 (MANE Select); coding-DNA position 9861, C replaced by A.
Protein change: p.Ser3287Arg; replaces serine 3287 with arginine.
Molecular consequence: missense variant.
Genome position (GRCh38, 1-based): chr8:99,835,657, C>A. VCF-style: chr8-99835657-C-A. GRCh37 (hg19) VCF-style: chr8-100847885-C-A.
Other names: c.9936C>A, p.Ser3312Arg (NM_017890.5); short protein forms S3287R, S3312R.
Identifiers: ClinVar variation 4998424 (VCV004998424.1).